The following is an entry in ClinVar:

NM_001034852.3(SMOC1):c.809G>A (p.Trp270Ter)

Genes: SMOC1 (SPARC related modular calcium binding 1; plus strand), LOC126861980 (MED14-independent group 3 enhancer GRCh37_chr14:70477330-70478529; plus strand). Cytogenetic location: 14q24.2.
Variant type: single nucleotide variant.
Coding change: c.809G>A on transcript NM_001034852.3 (MANE Select); coding-DNA position 809, G replaced by A.
Protein change: p.Trp270Ter; replaces tryptophan 270 with a stop codon.
Molecular consequence: nonsense.
Genome position (GRCh38, 1-based): chr14:70,010,898, G>A. VCF-style: chr14-70010898-G-A. GRCh37 (hg19) VCF-style: chr14-70477615-G-A.
Other names: c.809G>A, p.Trp270Ter (NM_022137.6); short protein forms W270*.
Identifiers: ClinVar variation 2269216 (VCV002269216.2), dbSNP rs2503310309, ClinGen allele CA390208822.

ClinVar aggregate classification (germline): Pathogenic (1 of 4 stars; one submission).

Conditions:
Inborn genetic diseases. Identifiers: MedGen C0950123, MeSH D030342.

Allele frequency attached by ClinVar (database versions not stated): gnomAD exomes below 0.00001.
gnomAD v4.1: 1 of 1,613,650 alleles (0.000062%); highest among the groups gnomAD compares: Non-Finnish European, 0.000085%; no homozygotes.

Submission:

Ambry Genetics
Classification: Pathogenic for Inborn genetic diseases. Last evaluated: 2022-03-10. Review status: criteria provided, single submitter. Criteria: Ambry Variant Classification Scheme 2023. Collection method: clinical testing. Allele origin: germline.
Comment: The c.809G>A (p.W270*) alteration, located in exon 8 (coding exon 8) of the SMOC1 gene, consists of a G to A substitution at nucleotide position 809. This changes the amino acid from a tryptophan (W) to a stop codon at amino acid position 270. This alteration is expected to result in loss of function by premature protein truncation or nonsense-mediated mRNA decay. This variant was not reported in population-based cohorts in the Genome Aggregation Database (gnomAD). Based on the available evidence, this alteration is classified as pathogenic.